The following is an entry in ClinVar:

ClinVar aggregate classification (germline): Pathogenic (1 of 4 stars; one submission).

Conditions:
Nemaline myopathy 2 (NEM2). Also called: Nemaline myopathy 2, autosomal recessive. Identifiers: MedGen C1850569, MONDO:0009725, OMIM 256030.

Submission:

Myriad Genetics, Inc.
Classification: Pathogenic for Nemaline myopathy 2. Last evaluated: 2024-05-20. Review status: criteria provided, single submitter. Criteria: Myriad Autosomal Dominant, Autosomal Recessive and X-Linked Classification Criteria (2023). Collection method: clinical testing. Allele origin: unknown.
Comment: NM_001271208.1(NEB):c.5576delA(K1859Rfs*38) is expected to be pathogenic in the context of NEB-related nemaline myopathy. This variant is predicted to lead to an abnormal or absent protein product due to the creation of a premature termination codon in NEB, a gene where loss-of-function variants are known to be pathogenic. Please note: this variant was assessed in the context of healthy population screening.

NM_001164508.2(NEB):c.5576del (p.Lys1859fs)

Gene: NEB (nebulin; minus strand). Cytogenetic location: 2q23.3.
Variant type: Deletion.
Coding change: c.5576del on transcript NM_001164508.2 (MANE Select); coding-DNA position 5576, one base deleted (A; older notation c.5576delA).
Protein change: p.Lys1859fs; shifts the reading frame from lysine 1859.
Molecular consequence: frameshift variant.
Genome position (GRCh38, 1-based): chr2:151,663,735, T deleted on the plus strand (A on the coding strand, the reverse complement: NEB is on the minus strand); the first of 2 consecutive T bases (chr2:151,663,735-151,663,736); deleting either gives the same sequence. VCF-style (leftmost placement, unchanged base first): chr2-151663734-CT-C. GRCh37 (hg19) VCF-style: chr2-152520248-CT-C.
Other names: c.5576del, p.Lys1859fs (NM_001164507.2, NM_001271208.2, NM_004543.5); short protein forms K1859fs.
Identifiers: ClinVar variation 5013074 (VCV005013074.1).
Genomic context (GRCh38, chr2:151,663,734, plus strand): 5'-CACCACACTGAGCATGTCCACCGGGGTGTGGAAGGAGGTCTTGGATTTCTCATATCCCTT[CT>C]TGTATTCCCGGTCTGACTGCATCTTGGCCACTTGCATGAAGTGCACCAGCTTGGGGTCAT-3'